The following is an entry in ClinVar:

NM_181507.2(HPS5):c.2822A>T (p.Asp941Val)

Gene: HPS5 (HPS5 biogenesis of lysosomal organelles complex 2 subunit 2; minus strand). Cytogenetic location: 11p15.1.
Variant type: single nucleotide variant.
Coding change: c.2822A>T on transcript NM_181507.2 (MANE Select); coding-DNA position 2822, A replaced by T.
Protein change: p.Asp941Val; replaces aspartic acid 941 with valine.
Molecular consequence: missense variant.
Genome position (GRCh38, 1-based): chr11:18,286,606, T>A on the plus strand (A>T on the coding strand, the complement: HPS5 is on the minus strand). VCF-style: chr11-18286606-T-A. GRCh37 (hg19) VCF-style: chr11-18308153-T-A.
Other names: c.2480A>T, p.Asp827Val (NM_007216.4, NM_181508.2); short protein forms D827V, D941V.
Identifiers: ClinVar variation 2188693 (VCV002188693.1), dbSNP rs779169623, ClinGen allele CA5909744.
Genomic context (GRCh38, chr11:18,286,606, plus strand): 5'-AAAAAAAGTAAAGAAAAAAACAAAGAAAGAGGACTTCTTCTGTACCTGGGATAACCTTCA[T>A]CATCCATTGTGCTGGTGCTTGGTGGAGCATCAAGGGACACTGCCAAAAGCAGCCAATCCA-3'
Protein context (NP_852608.1, residues 931-951): DAPPSTSTMD[Asp941Val]EGYPRPHSHL

ClinVar aggregate classification (germline): Uncertain significance (1 of 4 stars; one submission).

Allele frequency attached by ClinVar (database versions not stated): gnomAD 0.00001; gnomAD exomes 0.00001; TOPMed 0.00004; ExAC 0.00005.

Submission:

Labcorp Genetics (formerly Invitae), Labcorp
Classification: Uncertain significance. Last evaluated: 2022-06-08. Review status: criteria provided, single submitter. Criteria: Invitae Variant Classification Sherloc (09022015). Collection method: clinical testing. Allele origin: germline.
Comment: This sequence change replaces aspartic acid, which is acidic and polar, with valine, which is neutral and non-polar, at codon 941 of the HPS5 protein (p.Asp941Val). This variant is present in population databases (rs779169623, gnomAD 0.05%). This variant has not been reported in the literature in individuals affected with HPS5-related conditions. Algorithms developed to predict the effect of missense changes on protein structure and function (SIFT, PolyPhen-2, Align-GVGD) all suggest that this variant is likely to be tolerated. In summary, the available evidence is currently insufficient to determine the role of this variant in disease. Therefore, it has been classified as a Variant of Uncertain Significance.